The following is an entry in ClinVar:

ClinVar aggregate classification (germline): Benign/Likely benign. Review status: criteria provided, multiple submitters, no conflicts (2 of 4 stars). 5 submissions from 5 submitters: Benign (1); Likely benign (3). 1 of the submissions does not count toward it. Last evaluated 2026-01-31.

Conditions:
CACNA1H-related disorder.
Epilepsy, childhood absence, susceptibility to, 6. Identifiers: Orphanet 64280, MedGen C2749872, MONDO:0012763, OMIM 611942.
Hyperaldosteronism, familial, type IV (HALD4). Also called: FH IV; ALDOSTERONISM, PRIMARY, AND HYPERTENSION. Identifiers: Orphanet 642671, MedGen C4310756, MONDO:0014875, OMIM 617027.
Idiopathic generalized epilepsy. Also called: EIG; Generalised epilepsy. Identifiers: MedGen C0270850, MONDO:0005579, OMIM 600669.

Allele frequency attached by ClinVar (database versions not stated): 1000 Genomes Project 30x 0.00031; 1000 Genomes Project 0.00040; TOPMed 0.00157; gnomAD exomes 0.00170; gnomAD 0.00171 and 0.00173; ESP Exome Variant Server 0.00188; ExAC 0.00328.
gnomAD v4.1: 3,349 of 1,602,734 alleles (0.21%); highest among the groups gnomAD compares: Middle Eastern, 0.4%; 10 homozygotes.

Submissions (5):

Labcorp Genetics (formerly Invitae), Labcorp
Classification: Benign for Idiopathic generalized epilepsy; Hyperaldosteronism, familial, type IV. Last evaluated: 2026-01-31. Review status: criteria provided, single submitter. Criteria: Invitae Variant Classification Sherloc (09022015). Collection method: clinical testing. Allele origin: germline.

CeGaT Center for Human Genetics Tuebingen
Classification: Likely benign. Last evaluated: 2024-12-01. Review status: criteria provided, single submitter. Criteria: CeGaT Center For Human Genetics Tuebingen Variant Classification Criteria Version 2. Collection method: clinical testing. Allele origin: germline. Affected: yes. Observed: 3 variant alleles.
Comment: CACNA1H: BP4, BP7

Blueprint Genetics
Classification: Likely benign. Last evaluated: 2024-11-25. Review status: criteria provided, single submitter. Criteria: ACMG Guidelines, 2015. Collection method: clinical testing. Allele origin: germline.

Fulgent Genetics
Classification: Likely benign for Epilepsy, childhood absence, susceptibility to, 6; Hyperaldosteronism, familial, type IV. Last evaluated: 2021-10-14. Review status: criteria provided, single submitter. Criteria: ACMG Guidelines, 2015. Collection method: clinical testing. Allele origin: unknown.

PreventionGenetics, part of Exact Sciences
Classification: Likely benign for CACNA1H-related condition. Last evaluated: 2019-10-11. Review status: no assertion criteria provided. Collection method: clinical testing. Allele origin: germline. Not counted in ClinVar's aggregate classification.
Comment: This variant is classified as likely benign based on ACMG/AMP sequence variant interpretation guidelines (Richards et al. 2015 PMID: 25741868, with internal and published modifications).

NM_021098.3(CACNA1H):c.5253C>T (p.Asn1751=)

Gene: CACNA1H (calcium voltage-gated channel subunit alpha1 H; plus strand). Cytogenetic location: 16p13.3.
Variant type: single nucleotide variant.
Coding change: c.5253C>T on transcript NM_021098.3 (MANE Select); coding-DNA position 5253, C replaced by T.
Protein change: p.Asn1751=; no amino-acid change (asparagine 1751 retained).
Molecular consequence: synonymous variant.
Genome position (GRCh38, 1-based): chr16:1,216,940, C>T. VCF-style: chr16-1216940-C-T. GRCh37 (hg19) VCF-style: chr16-1266940-C-T.
Other names: c.5235C>T, p.Asn1745= (NM_001005407.2).
Identifiers: ClinVar variation 460141 (VCV000460141.38), dbSNP rs57181695, ClinGen allele CA7801928.